The following is an entry in ClinVar:

NM_000093.5(COL5A1):c.1223C>G (p.Thr408Arg)

Gene: COL5A1 (collagen type V alpha 1 chain; plus strand). Cytogenetic location: 9q34.3.
Variant type: single nucleotide variant.
Coding change: c.1223C>G on transcript NM_000093.5 (MANE Select); coding-DNA position 1223, C replaced by G.
Protein change: p.Thr408Arg; replaces threonine 408 with arginine.
Molecular consequence: missense variant.
Genome position (GRCh38, 1-based): chr9:134,731,554, C>G. VCF-style: chr9-134731554-C-G. GRCh37 (hg19) VCF-style: chr9-137623400-C-G.
Other names: p.Thr408Arg; c.1223C>G, p.Thr408Arg (NM_001278074.1); short protein forms T408R.
Identifiers: ClinVar variation 4541513 (VCV004541513.1).
Genomic context (GRCh38, chr9:134,731,554, plus strand): 5'-AGCCAGCTCCGCCTCCAGGGGAAGGTGCGGATGACTTGGAGGGGGAGTTCACTGAGGAAA[C>G]GATCCGGAACCTTGACGAGAACTACTACGACCCCTACTACGACCCCACCAGCTCCCCGTC-3'
Protein context (NP_000084.3, residues 398-418): DDLEGEFTEE[Thr408Arg]IRNLDENYYD

ClinVar aggregate classification (germline): Uncertain significance (1 of 4 stars; one submission).

gnomAD v4.1: 3 of 1,614,092 alleles (0.00019%); highest among the groups gnomAD compares: South Asian, 0.0011%; no homozygotes.

Submission:

Mayo Clinic Laboratories, Mayo Clinic
Classification: Uncertain significance. Last evaluated: 2025-04-22. Review status: criteria provided, single submitter. Criteria: ACMG Guidelines, 2015. Collection method: clinical testing. Allele origin: germline. Observed: 1 variant allele.
Comment: BP4, PM2_supporting